The following is an entry in ClinVar:

ClinVar aggregate classification (germline): Uncertain significance. Review status: criteria provided, single submitter (1 of 4 stars). 2 submissions from 2 submitters: Uncertain significance (1). 1 of the submissions does not count toward it. Last evaluated 2022-02-04.

Conditions:
Cohen syndrome (COH1). Also called: Cutis verticis gyrata, retinitis pigmentosa, and sensorineural deafness; PEPPER SYNDROME. Identifiers: Orphanet 193, MedGen C0265223, MONDO:0008999, OMIM 216550.

Allele frequency attached by ClinVar (database versions not stated): gnomAD exomes below 0.00001.
gnomAD v4.1: 2 of 1,613,716 alleles (0.00012%); highest among the groups gnomAD compares: East Asian, 0.0022%; no homozygotes.

Submissions (2):

Labcorp Genetics (formerly Invitae), Labcorp
Classification: Uncertain significance for Cohen syndrome. Last evaluated: 2022-02-04. Review status: criteria provided, single submitter. Criteria: Invitae Variant Classification Sherloc (09022015). Collection method: clinical testing. Allele origin: germline.
Comment: This sequence change replaces glutamic acid, which is acidic and polar, with aspartic acid, which is acidic and polar, at codon 2002 of the VPS13B protein (p.Glu2002Asp). This variant is not present in population databases (gnomAD no frequency). This variant has not been reported in the literature in individuals affected with VPS13B-related conditions. ClinVar contains an entry for this variant (Variation ID: 969416). Algorithms developed to predict the effect of missense changes on protein structure and function are either unavailable or do not agree on the potential impact of this missense change (SIFT: "Not Available"; PolyPhen-2: "Benign"; Align-GVGD: "Not Available"). In summary, the available evidence is currently insufficient to determine the role of this variant in disease. Therefore, it has been classified as a Variant of Uncertain Significance.

Natera, Inc.
Classification: Uncertain significance for Cohen syndrome. Last evaluated: 2021-06-26. Review status: no assertion criteria provided. Collection method: clinical testing. Allele origin: germline. Not counted in ClinVar's aggregate classification.

NM_152564.5(VPS13B):c.5931A>T (p.Glu1977Asp)

Gene: VPS13B (vacuolar protein sorting 13 homolog B; plus strand). Cytogenetic location: 8q22.2.
Variant type: single nucleotide variant.
Coding change: c.5931A>T on transcript NM_152564.5 (MANE Select); coding-DNA position 5931, A replaced by T.
Protein change: p.Glu1977Asp; replaces glutamic acid 1977 with aspartic acid.
Molecular consequence: missense variant.
Genome position (GRCh38, 1-based): chr8:99,661,376, A>T. VCF-style: chr8-99661376-A-T. GRCh37 (hg19) VCF-style: chr8-100673604-A-T.
Other names: c.6006A>T, p.Glu2002Asp (NM_017890.5); short protein forms E2002D, E1977D.
Identifiers: ClinVar variation 969416 (VCV000969416.6), dbSNP rs1830218052, ClinGen allele CA371868770.